The following is an entry in ClinVar:

NM_006914.4(RORB):c.1108C>T (p.Pro370Ser)

Gene: RORB (RAR related orphan receptor B; plus strand). Cytogenetic location: 9q21.13.
Variant type: single nucleotide variant.
Coding change: c.1108C>T on transcript NM_006914.4 (MANE Select); coding-DNA position 1108, C replaced by T.
Protein change: p.Pro370Ser; replaces proline 370 with serine.
Molecular consequence: missense variant.
Genome position (GRCh38, 1-based): chr9:74,667,898, C>T. VCF-style: chr9-74667898-C-T. GRCh37 (hg19) VCF-style: chr9-77282814-C-T.
Other names: c.1141C>T, p.Pro381Ser (NM_001365023.1); short protein forms P381S, P370S.
Identifiers: ClinVar variation 1387349 (VCV001387349.8), dbSNP rs2118533095, ClinGen allele CA373771571.

ClinVar aggregate classification (germline): Uncertain significance (1 of 4 stars; one submission).

Allele frequency attached by ClinVar (database versions not stated): gnomAD exomes below 0.00001.
gnomAD v4.1: 2 of 1,580,584 alleles (0.00013%); highest among the groups gnomAD compares: Non-Finnish European, 0.00017%; no homozygotes.

Submission:

Labcorp Genetics (formerly Invitae), Labcorp
Classification: Uncertain significance. Last evaluated: 2021-04-13. Review status: criteria provided, single submitter. Criteria: Invitae Variant Classification Sherloc (09022015). Collection method: clinical testing. Allele origin: germline.
Comment: Algorithms developed to predict the effect of missense changes on protein structure and function (SIFT, PolyPhen-2, Align-GVGD) all suggest that this variant is likely to be tolerated, but these predictions have not been confirmed by published functional studies and their clinical significance is uncertain. This variant has not been reported in the literature in individuals with RORB-related conditions. This variant is not present in population databases (ExAC no frequency). This sequence change replaces proline with serine at codon 370 of the RORB protein (p.Pro370Ser). The proline residue is highly conserved and there is a moderate physicochemical difference between proline and serine. In summary, the available evidence is currently insufficient to determine the role of this variant in disease. Therefore, it has been classified as a Variant of Uncertain Significance.